The following is an entry in ClinVar:

NM_139173.4(SLC9B1):c.1338G>T (p.Val446=)

Gene: SLC9B1 (solute carrier family 9 member B1; minus strand). Cytogenetic location: 4q24.
Variant type: single nucleotide variant.
Coding change: c.1338G>T on transcript NM_139173.4 (MANE Select); coding-DNA position 1338, G replaced by T.
Protein change: p.Val446=; no amino-acid change (valine 446 retained).
Molecular consequence: synonymous variant. On other transcripts: intron variant (1).
Genome position (GRCh38, 1-based): chr4:102,901,327, C>A on the plus strand (G>T on the coding strand, the complement: SLC9B1 is on the minus strand). VCF-style: chr4-102901327-C-A. GRCh37 (hg19) VCF-style: chr4-103822484-C-A.
Other names: c.1332+4187G>T (NM_001100874.3).
Identifiers: ClinVar variation 3067388 (VCV003067388.21), dbSNP rs2476288986, ClinGen allele CA440532299.
Genomic context (GRCh38, chr4:102,901,327, plus strand): 5'-CGCATATGGTTCCAAGTGGGGTGCGGAGACTCTTGCTGTTTCTAGAGCCAGAGGACCTAA[C>A]ACAGCCTGCATTTAGGGGTAAAAATGGGGCATAAAGAAAAATATTAAACTGAGTTGATAT-3'
Protein context (NP_631912.3, residues 436-456): AWMPKATVQA[Val446=]LGPLALETAR

ClinVar aggregate classification (germline): Likely benign (1 of 4 stars; one submission).

Submission:

CeGaT Center for Human Genetics Tuebingen
Classification: Likely benign. Last evaluated: 2025-06-01. Review status: criteria provided, single submitter. Criteria: CeGaT Center For Human Genetics Tuebingen Variant Classification Criteria Version 2. Collection method: clinical testing. Allele origin: germline. Affected: yes. Observed: 2 variant alleles.
Comment: SLC9B1: PM2:Supporting, BP4, BP7